The following is an entry in ClinVar:

ClinVar aggregate classification (germline): Uncertain significance. Review status: criteria provided, multiple submitters, no conflicts (2 of 4 stars). 2 submissions from 2 submitters: Uncertain significance (2). Last evaluated 2025-04-12.

Conditions:
Inborn genetic diseases. Identifiers: MedGen C0950123, MeSH D030342.
Immunodeficiency 104. Also called: Severe combined immunodeficiency, autosomal recessive, T cell-negative, B cell-positive, NK cell-positive; IMMUNODEFICIENCY 104, SEVERE COMBINED; SCID, AUTOSOMAL RECESSIVE, T CELL-NEGATIVE, B CELL-POSITIVE, NK CELL-POSITIVE; Severe Combined Immune Deficiency, Autosomal Recessive, TCell -Negative, B Cell-Positive, NK Cell-Positive, IL7R-Related. Identifiers: MedGen C5676890, MONDO:0012163, OMIM 608971.

Allele frequency attached by ClinVar (database versions not stated): ExAC 0.00001; gnomAD 0.00001; TOPMed 0.00001; gnomAD exomes 0.00002 and 0.00003.
gnomAD v4.1: 50 of 1,613,740 alleles (0.0031%); highest among the groups gnomAD compares: Non-Finnish European, 0.0039%; no homozygotes.

Submissions (2):

Ambry Genetics
Classification: Uncertain significance for Inborn genetic diseases. Last evaluated: 2025-04-12. Review status: criteria provided, single submitter. Criteria: Ambry Variant Classification Scheme 2023. Collection method: clinical testing. Allele origin: germline.

Labcorp Genetics (formerly Invitae), Labcorp
Classification: Uncertain significance for Immunodeficiency 104. Last evaluated: 2022-10-13. Review status: criteria provided, single submitter. Criteria: Invitae Variant Classification Sherloc (09022015). Collection method: clinical testing. Allele origin: germline.
Comment: This sequence change replaces aspartic acid, which is acidic and polar, with glutamic acid, which is acidic and polar, at codon 498 of the PTPRC protein (p.Asp498Glu). This variant is present in population databases (rs555467190, gnomAD 0.004%). This variant has not been reported in the literature in individuals affected with PTPRC-related conditions. ClinVar contains an entry for this variant (Variation ID: 953561). Algorithms developed to predict the effect of missense changes on protein structure and function output the following: SIFT: "Deleterious"; PolyPhen-2: "Benign"; Align-GVGD: "Class C35". The glutamic acid amino acid residue is found in multiple mammalian species, which suggests that this missense change does not adversely affect protein function. In summary, the available evidence is currently insufficient to determine the role of this variant in disease. Therefore, it has been classified as a Variant of Uncertain Significance.

NM_002838.5(PTPRC):c.1494T>A (p.Asp498Glu)

Gene: PTPRC (protein tyrosine phosphatase receptor type C; plus strand). Cytogenetic location: 1q32.1.
Variant type: single nucleotide variant.
Coding change: c.1494T>A on transcript NM_002838.5 (MANE Select); coding-DNA position 1494, T replaced by A.
Protein change: p.Asp498Glu; replaces aspartic acid 498 with glutamic acid.
Molecular consequence: missense variant.
Genome position (GRCh38, 1-based): chr1:198,718,137, T>A. VCF-style: chr1-198718137-T-A. GRCh37 (hg19) VCF-style: chr1-198687266-T-A.
Other names: c.1488T>A (NM_002838.3); c.1011T>A, p.Asp337Glu (NM_080921.4); short protein forms D337E, D498E.
Identifiers: ClinVar variation 953561 (VCV000953561.6), dbSNP rs555467190, ClinGen allele CA1314814.